The following is an entry in ClinVar:

NM_004320.6(ATP2A1):c.2852A>G (p.Asp951Gly)

Gene: ATP2A1 (ATPase sarcoplasmic/endoplasmic reticulum Ca2+ transporting 1; plus strand). Cytogenetic location: 16p11.2.
Variant type: single nucleotide variant.
Coding change: c.2852A>G on transcript NM_004320.6 (MANE Select); coding-DNA position 2852, A replaced by G.
Protein change: p.Asp951Gly; replaces aspartic acid 951 with glycine.
Molecular consequence: missense variant.
Genome position (GRCh38, 1-based): chr16:28,903,137, A>G. VCF-style: chr16-28903137-A-G. GRCh37 (hg19) VCF-style: chr16-28914458-A-G.
Other names: c.2477A>G, p.Asp826Gly (NM_001286075.2); c.2852A>G, p.Asp951Gly (NM_173201.5); short protein forms D826G, D951G.
Identifiers: ClinVar variation 1993860 (VCV001993860.4), dbSNP rs1596688766, ClinGen allele CA395415709.

ClinVar aggregate classification (germline): Uncertain significance (1 of 4 stars; one submission).

Conditions:
Brody myopathy. Also called: BRODY DISEASE. Identifiers: Orphanet 53347, MedGen C1832918, MONDO:0010977, OMIM 601003.

Allele frequency attached by ClinVar (database versions not stated): gnomAD exomes below 0.00001.

Submission:

Labcorp Genetics (formerly Invitae), Labcorp
Classification: Uncertain significance for Brody myopathy. Last evaluated: 2022-05-12. Review status: criteria provided, single submitter. Criteria: Invitae Variant Classification Sherloc (09022015). Collection method: clinical testing. Allele origin: germline.
Comment: In summary, the available evidence is currently insufficient to determine the role of this variant in disease. Therefore, it has been classified as a Variant of Uncertain Significance. Algorithms developed to predict the effect of missense changes on protein structure and function are either unavailable or do not agree on the potential impact of this missense change (SIFT: "Deleterious"; PolyPhen-2: "Possibly Damaging"; Align-GVGD: "Class C0"). This variant has not been reported in the literature in individuals affected with ATP2A1-related conditions. This variant is not present in population databases (gnomAD no frequency). This sequence change replaces aspartic acid, which is acidic and polar, with glycine, which is neutral and non-polar, at codon 951 of the ATP2A1 protein (p.Asp951Gly).